The following is an entry in ClinVar:

NM_000266.4(NDP):c.-207-1G>A

Genes: NDP (norrin cystine knot growth factor NDP; minus strand), NDP-AS1 (NDP antisense RNA 1; plus strand). Cytogenetic location: Xp11.3.
Variant type: single nucleotide variant.
Coding change: c.-207-1G>A on transcript NM_000266.4 (MANE Select); the canonical splice acceptor site of the intron before 207 bases upstream of the start codon, G replaced by A.
Molecular consequence: splice acceptor variant.
Genome position (GRCh38, 1-based): chrX:43,958,853, C>T on the plus strand (G>A on the coding strand, the complement: NDP is on the minus strand). VCF-style: chrX-43958853-C-T. GRCh37 (hg19) VCF-style: chrX-43818099-C-T.
Identifiers: ClinVar variation 3377321 (VCV003377321.2).

ClinVar aggregate classification (germline): Uncertain significance. Review status: criteria provided, multiple submitters, no conflicts (2 of 4 stars). 2 submissions from 2 submitters: Uncertain significance (2). Last evaluated 2025-12-17.

Conditions:
Atrophia bulborum hereditaria (ND). Also called: EPISKOPI BLINDNESS; Pseudoglioma; Norrie syndrome; Norrie-Warburg syndrome; Anderson-Warburg syndrome; Fetal iritis syndrome. Identifiers: Orphanet 649, MedGen C0266526, MONDO:0010691, OMIM 310600, HP:6000262.

Submissions (2):

Women's Health and Genetics/Laboratory Corporation of America, LabCorp
Classification: Uncertain significance. Last evaluated: 2025-12-17. Review status: criteria provided, single submitter. Criteria: LabCorp Variant Classification Summary - May 2015. Collection method: clinical testing. Allele origin: germline.
Comment: Variant summary: NDP c.-207-1G>A is located in a canonical splice-site and is predicted to affect mRNA splicing in the 5' UTR region. Several computational tools predict a significant impact on normal splicing: Four predict the variant abolishes a 3' acceptor site. Three predict the variant strengthens a cryptic 3' acceptor site. However, these predictions have yet to be confirmed by functional studies. The variant was absent in 22103 control chromosomes (gnomAD). c.-207-1G>A has been observed in an individual affected with Atrophia bulborum hereditaria (Smith_2012). These data do not allow any conclusion about variant significance. To our knowledge, no experimental evidence demonstrating an impact on protein function has been reported. The following publication has been ascertained in the context of this evaluation (PMID: 22786811). ClinVar contains an entry for this variant (Variation ID: 3377321). Based on the evidence outlined above, the variant was classified as VUS-possibly pathogenic.

Victorian Clinical Genetics Services, Murdoch Childrens Research Institute
Classification: Uncertain significance for Atrophia bulborum hereditaria. Last evaluated: 2024-10-09. Review status: criteria provided, single submitter. Criteria: ACMG Guidelines, 2015. Collection method: clinical testing. Allele origin: germline. Inheritance: X-linked recessive inheritance. Affected: no.
Comment: Based on the classification scheme VCGS_Germline_v1.3.4, this variant is classified as VUS-3A. Following criteria are met: 0102 - Loss of function is a known mechanism of disease in this gene and is associated with Norrie disease (MIM#310600). (I) 0109 - This gene is associated with X-linked recessive disease. Males with pathogenic variants consistently present with disease, whereas carrier females are usually unaffected. Isolated female cases have been reported with milder symptoms, which may be due to skewed X-inactivation (PMID: 11748312). (I) 0115 - Variants in this gene are known to have variable expressivity (OMIM). (I) 0211 - Canonical splice site variant in the 5' UTR without proven consequence on splicing (no functional evidence available). (SP) 0251 - This variant is heterozygous. (I) 0301 - Variant is absent from gnomAD (both v2 and v3). (SP) 0311 - An alternative nucleotide change at the same canonical splice site is present in gnomAD (v3) at a frequency of 0.000018 (2 heterozygotes, 0 homozygotes, 0 hemizygotes). (SB) 0505 - Abnormal splicing is predicted by in silico tools and affected nucleotide is highly conserved. (SP) 0710 - Another splice site variant comparable to the one identified in this case has inconclusive previous evidence for pathogenicity. c.-207-5T>C has been classified as a VUS in ClinVar.. (I) 0803 - This variant has limited previous evidence of pathogenicity in an unrelated individuals. (SP) 0905 - No published segregation evidence has been identified for this variant. (I) 1007 - No published functional evidence has been identified for this variant. (I) Legend: (SP) - Supporting pathogenic, (I) - Information, (SB) - Supporting benign

Literature cited by the submitters: PubMed 22786811 (cited by Women's Health and Genetics/Laboratory Corporation of America, LabCorp and Victorian Clinical Genetics Services, Murdoch Childrens Research Institute); PubMed 11748312 (cited by Victorian Clinical Genetics Services, Murdoch Childrens Research Institute).